The following is an entry in ClinVar:

Conditions:
Long QT syndrome 5 (LQT5). Identifiers: Orphanet 101016, Orphanet 768, MedGen C1867904, MONDO:0013372, OMIM 613695.

Submission:

Roden Lab, Vanderbilt University Medical Center
No classification provided (evidence only). Condition: Long QT syndrome 5. Review status: no classification provided. Collection method: in vitro. Allele origin: not applicable. Functional consequence: Effect on ion channel function.
ClinVar note: "not provided" was previously submitted as the classification for the variant. However, the classification appeared to be based only on an observation of functional data so it was converted to no classification on 2025-07-30.

NM_000219.6(KCNE1):c.52C>G (p.Gln18Glu)

Gene: KCNE1 (potassium voltage-gated channel subfamily E regulatory subunit 1; minus strand). Cytogenetic location: 21q22.12.
Variant type: single nucleotide variant.
Coding change: c.52C>G on transcript NM_000219.6 (MANE Select); coding-DNA position 52, C replaced by G.
Protein change: p.Gln18Glu; replaces glutamine 18 with glutamic acid.
Molecular consequence: missense variant.
Genome position (GRCh38, 1-based): chr21:34,449,583, G>C on the plus strand (C>G on the coding strand, the complement: KCNE1 is on the minus strand). VCF-style: chr21-34449583-G-C. GRCh37 (hg19) VCF-style: chr21-35821881-G-C.
Other names: c.52C>G, p.Gln18Glu (NM_001127668.4, NM_001127669.4, NM_001127670.4 and 4 more transcripts); short protein forms Q18E.
Identifiers: ClinVar variation 3373914 (VCV003373914.2).
Genomic context (GRCh38, chr21:34,449,583, plus strand): 5'-TGCTGCGGGGGGACCTGCGGGCCAGGCCCGACATGTTGCCACCCTGCTGAACTGTCTCCT[G>C]CCACAGCTTGGTCAGAAAGGGCGTCACCGCTGTGGTGTTAGACAGGATCATCCTGGGCAT-3'
Protein context (NP_000210.2, residues 8-28): AVTPFLTKLW[Gln18Glu]ETVQQGGNMS